The following is an entry in ClinVar:

NM_001127208.3(TET2):c.3145A>C (p.Lys1049Gln)

Genes: TET2 (tet methylcytosine dioxygenase 2; plus strand), TET2-AS1 (TET2 antisense RNA 1; minus strand). Cytogenetic location: 4q24.
Variant type: single nucleotide variant.
Coding change: c.3145A>C on transcript NM_001127208.3 (MANE Select); coding-DNA position 3145, A replaced by C.
Protein change: p.Lys1049Gln; replaces lysine 1049 with glutamine.
Molecular consequence: missense variant.
Genome position (GRCh38, 1-based): chr4:105,237,087, A>C. VCF-style: chr4-105237087-A-C. GRCh37 (hg19) VCF-style: chr4-106158244-A-C.
Other names: c.3145A>C, p.Lys1049Gln (NM_017628.4); short protein forms K1049Q.
Identifiers: ClinVar variation 4843487 (VCV004843487.1).

ClinVar aggregate classification (germline): Uncertain significance (1 of 4 stars; one submission).

Submission:

Ambry Genetics
Classification: Uncertain significance. Last evaluated: 2025-12-22. Review status: criteria provided, single submitter. Criteria: Ambry Variant Classification Scheme 2023. Collection method: clinical testing. Allele origin: germline.
Comment: The p.K1049Q variant (also known as c.3145A>C), located in coding exon 1 of the TET2 gene, results from an A to C substitution at nucleotide position 3145. The lysine at codon 1049 is replaced by glutamine, an amino acid with similar properties. This amino acid position is conserved. In addition, this alteration is predicted to be tolerated by in silico analysis. Based on the available evidence, the clinical significance of this variant remains unclear.